The following is an entry in ClinVar:

NM_013975.4(LIG3):c.469dup (p.Ile157fs)

Gene: LIG3 (DNA ligase 3; plus strand). Cytogenetic location: 17q12.
Variant type: Duplication.
Coding change: c.469dup on transcript NM_013975.4 (MANE Select); coding-DNA position 469, one base duplicated (A; older notation c.469dupA).
Protein change: p.Ile157fs; shifts the reading frame from isoleucine 157.
Molecular consequence: frameshift variant.
Genome position (GRCh38, 1-based): chr17:34,983,474, A duplicated; the last of 8 consecutive A bases (chr17:34,983,467-34,983,474); duplicating any one gives the same sequence. VCF-style (leftmost placement, unchanged base first): chr17-34983466-C-CA. GRCh37 (hg19) VCF-style: chr17-33310485-C-CA.
Other names: c.469dup, p.Ile157fs (NM_002311.5); short protein forms I157fs.
Identifiers: ClinVar variation 4886508 (VCV004886508.2).
Genomic context (GRCh38, chr17:34,983,466, plus strand): 5'-TGAAAGAGTGGTACCACATTAAATGCATGTTTGAGAAACTAGAGCGGGCCCGGGCCACCA[C>CA]AAAAAAAATCGAGGACCTCACAGAGCTGGAAGGCTGGGAAGAGCTGGAAGATAATGAGAA-3'

ClinVar aggregate classification (germline): Likely pathogenic (1 of 4 stars; one submission).

Submission:

Dasa
Classification: Likely pathogenic. Last evaluated: 2025-08-29. Review status: criteria provided, single submitter. Criteria: DASA Assertion Criteria. Collection method: clinical testing. Allele origin: germline.
Comment: NM_013975.4(LIG3):c.469dup (p.Ile157Asnfs*16) is a frameshift variant in LIG3 predicted to alter the reading frame and introduce a premature termination codon and is predicted to result in an absent or altered protein product. Loss of function is an established disease mechanism for LIG3-associated disorders. Also, this variant is rare in population databases. Based on the currently available evidence, this variant is classified as likely pathogenic.